The following is an entry in ClinVar:

ClinVar aggregate classification (germline): Uncertain significance. Review status: criteria provided, multiple submitters, no conflicts (2 of 4 stars). 2 submissions from 2 submitters: Uncertain significance (2). Last evaluated 2026-07-07.

Conditions:
Familial cancer of breast. Also called: Hereditary breast cancer; hereditary breast carcinoma; BREAST CANCER, FAMILIAL. Identifiers: Orphanet 227535, MedGen C0346153, MONDO:0016419, OMIM 114480. Disease mechanism: loss of function.
Fanconi anemia complementation group J. Also called: BRIP1-Related Fanconi Anemia. Identifiers: Orphanet 84, MedGen C1836860, MONDO:0012187, OMIM 609054.
Hereditary cancer-predisposing syndrome. Also called: Hereditary Cancer Syndrome; Hereditary neoplastic syndrome; Neoplastic Syndromes, Hereditary; Tumor predisposition. Identifiers: Orphanet 140162, MedGen C0027672, MeSH D009386, MONDO:0015356.

Submissions (2):

Ambry Genetics
Classification: Uncertain significance for Hereditary cancer-predisposing syndrome. Last evaluated: 2026-07-07. Review status: criteria provided, single submitter. Criteria: Ambry Variant Classification Scheme 2023. Collection method: clinical testing. Allele origin: germline.
Comment: The p.G1224E variant (also known as c.3671G>A), located in coding exon 19 of the BRIP1 gene, results from a G to A substitution at nucleotide position 3671. The glycine at codon 1224 is replaced by glutamic acid, an amino acid with similar properties. This amino acid position is conserved. In addition, this alteration is predicted to be tolerated by in silico analysis. Based on the available evidence, the clinical significance of this variant remains unclear.

Labcorp Genetics (formerly Invitae), Labcorp
Classification: Uncertain significance for Familial cancer of breast; Fanconi anemia complementation group J. Last evaluated: 2023-10-17. Review status: criteria provided, single submitter. Criteria: Invitae Variant Classification Sherloc (09022015). Collection method: clinical testing. Allele origin: germline.
Comment: This sequence change replaces glycine, which is neutral and non-polar, with glutamic acid, which is acidic and polar, at codon 1224 of the BRIP1 protein (p.Gly1224Glu). This variant is not present in population databases (gnomAD no frequency). This variant has not been reported in the literature in individuals affected with BRIP1-related conditions. Algorithms developed to predict the effect of missense changes on protein structure and function output the following: SIFT: "Not Available"; PolyPhen-2: "Benign"; Align-GVGD: "Not Available". The glutamic acid amino acid residue is found in multiple mammalian species, which suggests that this missense change does not adversely affect protein function. In summary, the available evidence is currently insufficient to determine the role of this variant in disease. Therefore, it has been classified as a Variant of Uncertain Significance.

NM_032043.3(BRIP1):c.3671G>A (p.Gly1224Glu)

Gene: BRIP1 (BRCA1 interacting DNA helicase 1; minus strand). Cytogenetic location: 17q23.2.
Variant type: single nucleotide variant.
Coding change: c.3671G>A on transcript NM_032043.3 (MANE Select); coding-DNA position 3671, G replaced by A.
Protein change: p.Gly1224Glu; replaces glycine 1224 with glutamic acid.
Molecular consequence: missense variant.
Genome position (GRCh38, 1-based): chr17:61,683,375, C>T on the plus strand (G>A on the coding strand, the complement: BRIP1 is on the minus strand). VCF-style: chr17-61683375-C-T. GRCh37 (hg19) VCF-style: chr17-59760736-C-T.
Other names: short protein forms G1224E.
Identifiers: ClinVar variation 2939810 (VCV002939810.4), dbSNP rs2544552300, ClinGen allele CA400477859.